The following is an entry in ClinVar:

NM_003922.4(HERC1):c.7615G>A (p.Ala2539Thr)

Gene: HERC1 (HECT and RLD domain containing E3 ubiquitin protein ligase family member 1; minus strand). Cytogenetic location: 15q22.31.
Variant type: single nucleotide variant.
Coding change: c.7615G>A on transcript NM_003922.4 (MANE Select); coding-DNA position 7615, G replaced by A.
Protein change: p.Ala2539Thr; replaces alanine 2539 with threonine.
Molecular consequence: missense variant.
Genome position (GRCh38, 1-based): chr15:63,674,573, C>T on the plus strand (G>A on the coding strand, the complement: HERC1 is on the minus strand). VCF-style: chr15-63674573-C-T. GRCh37 (hg19) VCF-style: chr15-63966772-C-T.
Other names: short protein forms A2539T.
Identifiers: ClinVar variation 373369 (VCV000373369.6), dbSNP rs200745033, ClinGen allele CA7605126.

ClinVar aggregate classification (germline): Uncertain significance. Review status: criteria provided, multiple submitters, no conflicts (2 of 4 stars). 4 submissions from 4 submitters: Uncertain significance (4). Last evaluated 2024-02-17.

Conditions:
Macrocephaly, dysmorphic facies, and psychomotor retardation (MDFPMR). Identifiers: Orphanet 457359, MedGen C4310766, MONDO:0014863, OMIM 617011.
Inborn genetic diseases. Identifiers: MedGen C0950123, MeSH D030342.

Allele frequency attached by ClinVar (database versions not stated): TOPMed 0.00017; ExAC 0.00021; gnomAD exomes 0.00022 and 0.00035; gnomAD 0.00023; 1000 Genomes Project 30x 0.00031; ESP Exome Variant Server 0.00048.
gnomAD v4.1: 538 of 1,612,400 alleles (0.033%); highest among the groups gnomAD compares: South Asian, 0.062%; 2 homozygotes.

Submissions (4):

Ambry Genetics
Classification: Uncertain significance for Inborn genetic diseases. Last evaluated: 2024-02-17. Review status: criteria provided, single submitter. Criteria: Ambry Variant Classification Scheme 2023. Collection method: clinical testing. Allele origin: germline.

Labcorp Genetics (formerly Invitae), Labcorp
Classification: Uncertain significance. Last evaluated: 2022-07-15. Review status: criteria provided, single submitter. Criteria: Invitae Variant Classification Sherloc (09022015). Collection method: clinical testing. Allele origin: germline.
Comment: This sequence change replaces alanine, which is neutral and non-polar, with threonine, which is neutral and polar, at codon 2539 of the HERC1 protein (p.Ala2539Thr). This variant is present in population databases (rs200745033, gnomAD 0.05%). This variant has not been reported in the literature in individuals affected with HERC1-related conditions. ClinVar contains an entry for this variant (Variation ID: 373369). Algorithms developed to predict the effect of missense changes on protein structure and function are either unavailable or do not agree on the potential impact of this missense change (SIFT: "Deleterious"; PolyPhen-2: "Benign"; Align-GVGD: "Class C55"). In summary, the available evidence is currently insufficient to determine the role of this variant in disease. Therefore, it has been classified as a Variant of Uncertain Significance.

Revvity Omics, Revvity
Classification: Uncertain significance for Macrocephaly, dysmorphic facies, and psychomotor retardation. Last evaluated: 2019-09-23. Review status: criteria provided, single submitter. Criteria: ACMG Guidelines, 2015. Collection method: clinical testing. Allele origin: germline.

GeneDx
Classification: Uncertain significance. Last evaluated: 2016-12-05. Review status: criteria provided, single submitter. Criteria: GeneDx Variant Classification (06012015). Collection method: clinical testing. Allele origin: germline. Affected: yes.
Comment: The A2539T variant in the HERC1 gene has not been reported previously as a pathogenic variant, nor as a benign variant, to our knowledge. The A2539T variant was not observed with any significant frequency in approximately 6200 individuals of European and African American ancestry in the NHLBI Exome Sequencing Project, indicating it is not a common benign variant in these populations. The A2539T variant is a non-conservative amino acid substitution, which is likely to impact secondary protein structure as these residues differ in polarity, charge, size and/or other properties. This substitution occurs at a position that is conserved in mammals. In silico analysis is inconsistent in its predictions as to whether or not the variant is damaging to the protein structure/function. We interpret A2539T as a variant of uncertain significance.